The following is an entry in ClinVar:

NM_015331.3(NCSTN):c.1179+6C>G

Gene: NCSTN (nicastrin; plus strand). Cytogenetic location: 1q23.2.
Variant type: single nucleotide variant.
Coding change: c.1179+6C>G on transcript NM_015331.3 (MANE Select); 6 bases into the intron after coding-DNA position 1179, C replaced by G.
Molecular consequence: intron variant.
Genome position (GRCh38, 1-based): chr1:160,353,243, C>G. VCF-style: chr1-160353243-C-G. GRCh37 (hg19) VCF-style: chr1-160323033-C-G.
Other names: c.1119+6C>G (NM_001290184.2); c.1179+6C>G (NM_001349729.2); c.765+6C>G (NM_001290186.2).
Identifiers: ClinVar variation 2500064 (VCV002500064.1), dbSNP rs1447007182, ClinGen allele CA526679099.

ClinVar aggregate classification (germline): Uncertain significance (1 of 4 stars; one submission).

Conditions:
Acne inversa, familial, 1. Identifiers: MedGen C4551962, MONDO:0007728, OMIM 142690.

gnomAD v4.1: 4 of 1,614,118 alleles (0.00025%); highest among the groups gnomAD compares: Non-Finnish European, 0.000085%; no homozygotes.

Submission:

Center for Genomics, Ann and Robert H. Lurie Children's Hospital of Chicago
Classification: Uncertain significance for Acne inversa, familial, 1. Last evaluated: 2022-06-27. Review status: criteria provided, single submitter. Criteria: ACMG Guidelines, 2015. Collection method: clinical testing. Allele origin: germline.
Comment: This variant has not been reported in the literature but is present in the Genome Aggregation Database (Highest reported MAF: 0.01% [1/10078]). Evolutionary conservation and computational predictive tools for this variant are limited or unavailable. Splice prediction tools suggest that this variant may create a new splice site. However, further studies are needed to understand its impact. In summary, data on this variant is insufficient for disease classification. Therefore, the clinical significance of this variant is uncertain.